The following is an entry in ClinVar:

ClinVar aggregate classification (germline): Uncertain significance (1 of 4 stars; one submission).

Conditions:
Primary ciliary dyskinesia. Also called: Ciliary dyskinesia. Identifiers: Orphanet 244, MedGen C0008780, MONDO:0016575, HP:0012265.

Allele frequency attached by ClinVar (database versions not stated): TOPMed below 0.00001; gnomAD 0.00001; gnomAD exomes 0.00001; ExAC 0.00002.
gnomAD v4.1: 9 of 1,613,794 alleles (0.00056%); highest among the groups gnomAD compares: Non-Finnish European, 0.00025%; no homozygotes.

Submission:

Labcorp Genetics (formerly Invitae), Labcorp
Classification: Uncertain significance for Primary ciliary dyskinesia. Last evaluated: 2025-05-07. Review status: criteria provided, single submitter. Criteria: Invitae Variant Classification Sherloc (09022015). Collection method: clinical testing. Allele origin: germline.
Comment: This sequence change replaces valine, which is neutral and non-polar, with leucine, which is neutral and non-polar, at codon 47 of the DNAAF3 protein (p.Val47Leu). This variant is present in population databases (rs757302187, gnomAD 0.01%). This variant has not been reported in the literature in individuals affected with DNAAF3-related conditions. ClinVar contains an entry for this variant (Variation ID: 454615). An algorithm developed to predict the effect of missense changes on protein structure and function (PolyPhen-2) suggests that this variant is likely to be tolerated. In summary, the available evidence is currently insufficient to determine the role of this variant in disease. Therefore, it has been classified as a Variant of Uncertain Significance.

NM_001256715.2(DNAAF3):c.-3G>T

Genes: DNAAF3 (dynein axonemal assembly factor 3; minus strand), DNAAF3-AS1 (DNAAF3 antisense RNA 1; plus strand). Cytogenetic location: 19q13.42.
Variant type: single nucleotide variant.
Coding change: c.-3G>T on transcript NM_001256715.2 (MANE Select); 3 bases upstream of the start codon, G replaced by T.
Molecular consequence: 5 prime UTR variant. On other transcripts: missense variant (2).
Genome position (GRCh38, 1-based): chr19:55,166,416, C>A on the plus strand (G>T on the coding strand, the complement: DNAAF3 is on the minus strand). VCF-style: chr19-55166416-C-A. GRCh37 (hg19) VCF-style: chr19-55677784-C-A.
Other names: c.-241G>T (NM_001256716.2); c.139G>T, p.Val47Leu (NM_178837.4, NM_001256714.1); short protein forms V47L.
Identifiers: ClinVar variation 454615 (VCV000454615.9), dbSNP rs757302187, ClinGen allele CA9668279.